The following is an entry in ClinVar:

NM_017534.6(MYH2):c.4916A>T (p.Asn1639Ile)

Genes: MYHAS (myosin heavy chain gene cluster antisense RNA; plus strand), MYH2 (myosin heavy chain 2; minus strand), LOC126862500 (BRD4-independent group 4 enhancer GRCh37_chr17:10427829-10429028; plus strand). Cytogenetic location: 17p13.1.
Variant type: single nucleotide variant.
Coding change: c.4916A>T on transcript NM_017534.6 (MANE Select); coding-DNA position 4916, A replaced by T.
Protein change: p.Asn1639Ile; replaces asparagine 1639 with isoleucine.
Molecular consequence: missense variant.
Genome position (GRCh38, 1-based): chr17:10,524,812, T>A on the plus strand (A>T on the coding strand, the complement: MYH2 is on the minus strand). VCF-style: chr17-10524812-T-A. GRCh37 (hg19) VCF-style: chr17-10428129-T-A.
Other names: c.4916A>T, p.Asn1639Ile (NM_001100112.2); short protein forms N1639I.
Identifiers: ClinVar variation 2071401 (VCV002071401.4), dbSNP rs2508413457, ClinGen allele CA398120813.
Genomic context (GRCh38, chr17:10,524,812, plus strand): 5'-TTTACCTTGAGGATGCCTTGGGTGTTCCTGTAGTTCCTCAGGGCCTCAGCAGCCATGCGG[T>A]TGGCATGGTTCAGCTGGATTTCCATTTCATTGAGGTCTCCCTCCATCTTCTTCTTGAGCC-3'
Protein context (NP_060004.3, residues 1629-1649): NEMEIQLNHA[Asn1639Ile]RMAAEALRNY

ClinVar aggregate classification (germline): Uncertain significance (1 of 4 stars; one submission).

Conditions:
Myopathy, proximal, and ophthalmoplegia (CMYO6). Also called: CONGENITAL MYOPATHY 6 WITH OPHTHALMOPLEGIA; MYOPATHY WITH CONGENITAL JOINT CONTRACTURES, OPHTHALMOPLEGIA, AND RIMMED VACUOLES; INCLUSION BODY MYOPATHY 3, AUTOSOMAL DOMINANT. Identifiers: Orphanet 363677, Orphanet 79091, MedGen C1854106, MONDO:0011577, OMIM 605637.

Submission:

Labcorp Genetics (formerly Invitae), Labcorp
Classification: Uncertain significance for Myopathy, proximal, and ophthalmoplegia. Last evaluated: 2022-06-02. Review status: criteria provided, single submitter. Criteria: Invitae Variant Classification Sherloc (09022015). Collection method: clinical testing. Allele origin: germline.
Comment: In summary, the available evidence is currently insufficient to determine the role of this variant in disease. Therefore, it has been classified as a Variant of Uncertain Significance. Algorithms developed to predict the effect of missense changes on protein structure and function (SIFT, PolyPhen-2, Align-GVGD) all suggest that this variant is likely to be disruptive. This variant has not been reported in the literature in individuals affected with MYH2-related conditions. This variant is not present in population databases (gnomAD no frequency). This sequence change replaces asparagine, which is neutral and polar, with isoleucine, which is neutral and non-polar, at codon 1639 of the MYH2 protein (p.Asn1639Ile).